The following is an entry in ClinVar:

ClinVar aggregate classification (germline): Uncertain significance (1 of 4 stars; one submission).

Allele frequency attached by ClinVar (database versions not stated): gnomAD exomes below 0.00001; ExAC 0.00001.
gnomAD v4.1: 3 of 1,613,186 alleles (0.00019%); highest among the groups gnomAD compares: South Asian, 0.0011%; no homozygotes.

Submission:

Labcorp Genetics (formerly Invitae), Labcorp
Classification: Uncertain significance. Last evaluated: 2022-05-18. Review status: criteria provided, single submitter. Criteria: Invitae Variant Classification Sherloc (09022015). Collection method: clinical testing. Allele origin: germline.
Comment: This variant is present in population databases (rs781405897, gnomAD no frequency). This sequence change falls in intron 44 of the USH2A gene. It does not directly change the encoded amino acid sequence of the USH2A protein. It affects a nucleotide within the consensus splice site. This variant has not been reported in the literature in individuals affected with USH2A-related conditions. In summary, the available evidence is currently insufficient to determine the role of this variant in disease. Therefore, it has been classified as a Variant of Uncertain Significance. Variants that disrupt the consensus splice site are a relatively common cause of aberrant splicing (PMID: 17576681, 9536098). Algorithms developed to predict the effect of sequence changes on RNA splicing suggest that this variant may disrupt the consensus splice site.

Literature cited by the submitters: PubMed 17576681; PubMed 9536098.

NM_206933.4(USH2A):c.8846-3C>G

Gene: USH2A (usherin; minus strand). Cytogenetic location: 1q41.
Variant type: single nucleotide variant.
Coding change: c.8846-3C>G on transcript NM_206933.4 (MANE Select); 3 bases into the intron before coding-DNA position 8846, C replaced by G.
Molecular consequence: intron variant.
Genome position (GRCh38, 1-based): chr1:215,846,036, G>C on the plus strand (C>G on the coding strand, the complement: USH2A is on the minus strand). VCF-style: chr1-215846036-G-C. GRCh37 (hg19) VCF-style: chr1-216019378-G-C.
Identifiers: ClinVar variation 1947287 (VCV001947287.5), dbSNP rs781405897, ClinGen allele CA1394459.